The following is an entry in ClinVar:

ClinVar aggregate classification (germline): Uncertain significance. Review status: criteria provided, multiple submitters, no conflicts (2 of 4 stars). 3 submissions from 3 submitters: Uncertain significance (3). Last evaluated 2026-03-05.

gnomAD v4.1: 2 of 1,614,158 alleles (0.00012%); highest among the groups gnomAD compares: Non-Finnish European, 0.00017%; no homozygotes.

Submissions (3):

GeneDx
Classification: Uncertain significance. Last evaluated: 2026-03-05. Review status: criteria provided, single submitter. Criteria: GeneDx Variant Classification Process June 2021. Collection method: clinical testing. Allele origin: germline.
Comment: Not observed at significant frequency in large population cohorts (gnomAD); In silico analysis supports that this missense variant has a deleterious effect on protein structure/function; Not located in the triple helical region, where the majority of pathogenic missense variants occur (HGMD); Has not been previously published as pathogenic or benign to our knowledge

Labcorp Genetics (formerly Invitae), Labcorp
Classification: Uncertain significance. Last evaluated: 2025-07-06. Review status: criteria provided, single submitter. Criteria: Invitae Variant Classification Sherloc (09022015). Collection method: clinical testing. Allele origin: germline.
Comment: This sequence change replaces asparagine, which is neutral and polar, with lysine, which is basic and polar, at codon 178 of the COL2A1 protein (p.Asn178Lys). This variant is not present in population databases (gnomAD no frequency). This variant has not been reported in the literature in individuals affected with COL2A1-related conditions. Experimental studies and prediction algorithms are not available or were not evaluated, and the functional significance of this variant is currently unknown. In summary, the available evidence is currently insufficient to determine the role of this variant in disease. Therefore, it has been classified as a Variant of Uncertain Significance.

Blueprint Genetics
Classification: Uncertain significance. Last evaluated: 2021-09-09. Review status: criteria provided, single submitter. Criteria: ACMG Guidelines, 2015. Collection method: clinical testing. Allele origin: germline.

NM_001844.5(COL2A1):c.534C>A (p.Asn178Lys)

Gene: COL2A1 (collagen type II alpha 1 chain; minus strand). Cytogenetic location: 12q13.11.
Variant type: single nucleotide variant.
Coding change: c.534C>A on transcript NM_001844.5 (MANE Select); coding-DNA position 534, C replaced by A.
Protein change: p.Asn178Lys; replaces asparagine 178 with lysine.
Molecular consequence: missense variant.
Genome position (GRCh38, 1-based): chr12:47,996,623, G>T on the plus strand (C>A on the coding strand, the complement: COL2A1 is on the minus strand). VCF-style: chr12-47996623-G-T. GRCh37 (hg19) VCF-style: chr12-48390406-G-T.
Other names: c.327C>A, p.Asn109Lys (NM_033150.3); c.534C>A (NM_001844.4); short protein forms N109K, N178K.
Identifiers: ClinVar variation 4699033 (VCV004699033.3).